The following is an entry in ClinVar:

NC_000006.11:g.(162683798_162864341)_(162864506_163148693)dup

Genes: PACRG (parkin coregulated; plus strand), PRKN (parkin RBR E3 ubiquitin protein ligase; minus strand). Cytogenetic location: 6q26.
Variant type: Duplication.
Identifiers: ClinVar variation 1705255 (VCV001705255.1).

ClinVar aggregate classification (germline): Pathogenic (1 of 4 stars; one submission).

Conditions:
Autosomal recessive juvenile Parkinson disease 2. Also called: Parkinson disease, juvenile, type 2; PARKINSON DISEASE, JUVENILE, AUTOSOMAL RECESSIVE; PRKN-Related Early-Onset Parkinson Disease; Parkinson disease autosomal recessive, early onset; Juvenile parkinsonism; Parkinsonism, early onset, with diurnal fluctuation. Identifiers: Orphanet 2828, MedGen C1868675, MONDO:0010820, OMIM 600116.

Submission:

Women's Health and Genetics/Laboratory Corporation of America, LabCorp
Classification: Pathogenic for Autosomal recessive juvenile Parkinson disease 2. Last evaluated: 2022-07-18. Review status: criteria provided, single submitter. Criteria: LabCorp Variant Classification Summary - May 2015. Collection method: clinical testing. Allele origin: germline.
Comment: Variant summary: The variant identified by MLPA or other technology involves the duplication of exon 2 in the PARK2 (PRKN) gene. A presumed nomenclature of c.(7+1_8-1)_(171+1_172-1)dup has been designated for the purposes of this classification. It has been assumed that this is a tandem duplication in direct orientation (Richardson_GIM_2018, Newman_AJHG_2015). Although exact breakpoints of this duplication are not known, it is expected to result in a frameshift in the PARK2 gene, a known mechanism of disease. Different variant alleles involving duplication of exon 2 were found at a cumulative frequency of 0.0011 in 21694 control chromosomes (gnomAD, Structural Variants dataset). Duplication of exon 2 has been reported in the literature in individuals affected with Parkinson Disease (e.g. West_2002, Lesage_2020). These data indicate that the variant is likely to be associated with disease. Four ClinVar submitters (evaluation after 2014) cite the variant with conflicting assessments (pathogenic, n=1; uncertain significance, n=2; benign, n=1). Based on the evidence outlined above, the variant was classified as pathogenic.

Literature cited by the submitters: PubMed 25833766; PubMed 19162522; PubMed 21993715; PubMed 26683220; PubMed 33045815; PubMed 33150996; PubMed 33166806; PubMed 12116199.